The following is an entry in ClinVar:

NM_001082971.2(DDC):c.1041+1G>A

Gene: DDC (dopa decarboxylase; minus strand). Cytogenetic location: 7p12.2.
Variant type: single nucleotide variant.
Coding change: c.1041+1G>A on transcript NM_001082971.2 (MANE Select); the canonical splice donor site of the intron after coding-DNA position 1041, G replaced by A.
Molecular consequence: splice donor variant.
Genome position (GRCh38, 1-based): chr7:50,476,623, C>T on the plus strand (G>A on the coding strand, the complement: DDC is on the minus strand). VCF-style: chr7-50476623-C-T. GRCh37 (hg19) VCF-style: chr7-50544321-C-T.
Other names: c.807+1G>A (NM_001242888.2); c.927+1G>A (NM_001242886.2); c.762+1G>A (NM_001242889.2); c.897+1G>A (NM_001242887.2); c.1041+1G>A (NM_000790.4).
Identifiers: ClinVar variation 2895103 (VCV002895103.5), dbSNP rs1209062363, ClinGen allele CA367534698.

ClinVar aggregate classification (germline): Pathogenic/Likely pathogenic. Review status: criteria provided, multiple submitters, no conflicts (2 of 4 stars). 3 submissions from 3 submitters: Pathogenic (1); Likely pathogenic (2). Last evaluated 2024-11-06.

Conditions:
Deficiency of aromatic-L-amino-acid decarboxylase. Also called: Aromatic L-Amino Acid Decarboxylase Deficiency; Aromatic amino acid decarboxylase deficiency; AADC DEFICIENCY; DDC DEFICIENCY; DOPA DECARBOXYLASE DEFICIENCY. Identifiers: Orphanet 35708, MedGen C1291564, MONDO:0012084, OMIM 608643.

gnomAD v4.1: 7 of 1,612,484 alleles (0.00043%); highest among the groups gnomAD compares: South Asian, 0.0022%; no homozygotes.

Submissions (3):

Women's Health and Genetics/Laboratory Corporation of America, LabCorp
Classification: Likely pathogenic for Deficiency of aromatic-L-amino-acid decarboxylase. Last evaluated: 2024-11-06. Review status: criteria provided, single submitter. Criteria: LabCorp Variant Classification Summary - May 2015. Collection method: clinical testing. Allele origin: germline.
Comment: Variant summary: DDC c.1041+1G>A is located in a canonical splice-site and is predicted to affect mRNA splicing resulting in a significantly altered protein due to either exon skipping, shortening, or inclusion of intronic material. Variants that disrupt the consensus splice site are a relatively common cause of aberrant splicing and loss of DDC function. Several computational tools predict a significant impact on normal splicing: Four predict the variant abolishes a 5' splicing donor site. However, these predictions have yet to be confirmed by functional studies. The variant was absent in 249648 control chromosomes. To our knowledge, no occurrence of c.1041+1G>A in individuals affected with Deficiency Of Aromatic-L-Amino-Acid Decarboxylase and no experimental evidence demonstrating its impact on protein function have been reported. ClinVar contains an entry for this variant (Variation ID: 2895103). Based on the evidence outlined above, the variant was classified as likely pathogenic.

3billion
Classification: Pathogenic for Deficiency of aromatic-L-amino-acid decarboxylase. Last evaluated: 2024-09-04. Review status: criteria provided, single submitter. Criteria: ACMG Guidelines, 2015. Collection method: clinical testing. Allele origin: germline. Affected: yes.
Comment: The variant is observed at an extremely low frequency in the gnomAD v4.0.0 dataset (total allele frequency: <0.001%). Predicted Consequence/Location: Canonical splice site: predicted to alter splicing and result in a loss or disruption of normal protein function. Multiple pathogenic loss-of-function variants are reported downstream of the variant. The variant has been reported to be associated with DDC related disorder (ClinVar ID: VCV002895103). Therefore, this variant is classified as Pathogenic according to the recommendation of ACMG/AMP guideline.

Labcorp Genetics (formerly Invitae), Labcorp
Classification: Likely pathogenic for Deficiency of aromatic-L-amino-acid decarboxylase. Last evaluated: 2023-06-27. Review status: criteria provided, single submitter. Criteria: Invitae Variant Classification Sherloc (09022015). Collection method: clinical testing. Allele origin: germline.
Comment: In summary, the currently available evidence indicates that the variant is pathogenic, but additional data are needed to prove that conclusively. Therefore, this variant has been classified as Likely Pathogenic. Algorithms developed to predict the effect of sequence changes on RNA splicing suggest that this variant may disrupt the consensus splice site. Disruption of this splice site has been observed in individual(s) with aromatic L-amino acid decarboxylase deficiency (PMID: 27243974, 32369189). This variant is not present in population databases (gnomAD no frequency). This sequence change affects a donor splice site in intron 11 of the DDC gene. It is expected to disrupt RNA splicing. Variants that disrupt the donor or acceptor splice site typically lead to a loss of protein function (PMID: 16199547), and loss-of-function variants in DDC are known to be pathogenic (PMID: 15079002, 24788355).

Literature cited by the submitters: PubMed 27243974 (cited by Labcorp Genetics (formerly Invitae), Labcorp); PubMed 32369189 (cited by Labcorp Genetics (formerly Invitae), Labcorp); PubMed 16199547 (cited by Labcorp Genetics (formerly Invitae), Labcorp); PubMed 15079002 (cited by Labcorp Genetics (formerly Invitae), Labcorp); PubMed 24788355 (cited by Labcorp Genetics (formerly Invitae), Labcorp).